The following is an entry in ClinVar:

NM_000426.4(LAMA2):c.-17del

Gene: LAMA2 (laminin subunit alpha 2; plus strand). Cytogenetic location: 6q22.33.
Variant type: Deletion.
Coding change: c.-17del on transcript NM_000426.4 (MANE Select); 17 bases upstream of the start codon, one base deleted (C; older notation c.-17delC).
Molecular consequence: 5 prime UTR variant.
Genome position (GRCh38, 1-based): chr6:128,883,229, C deleted; the last of 2 consecutive C bases (chr6:128,883,228-128,883,229); deleting either gives the same sequence. VCF-style (leftmost placement, unchanged base first): chr6-128883227-TC-T. GRCh37 (hg19) VCF-style: chr6-129204372-TC-T.
Other names: c.-17delC (NM_000426.3); c.-17del (NM_001079823.2).
Identifiers: ClinVar variation 421527 (VCV000421527.2), dbSNP rs537351244, ClinGen allele CA3992187.
Genomic context (GRCh38, chr6:128,883,227, plus strand): 5'-CTCACAAGCCAAGGCCAGGGGACAGGGCGGCAGCGACTCCTCTGGCTCCCGAGAAGTGGA[TC>T]CGGTCGCGGCCACTACGATGCCGGGAGCCGCCGGGGTCCTCCTCCTTCTGCTGCTCTCCG-3'

ClinVar aggregate classification (germline): Likely benign. Review status: criteria provided, multiple submitters, no conflicts (2 of 4 stars). 2 submissions from 2 submitters: Likely benign (2). Last evaluated 2024-09-11.

Submissions (2):

Blueprint Genetics
Classification: Likely benign. Last evaluated: 2024-09-11. Review status: criteria provided, single submitter. Criteria: ACMG Guidelines, 2015. Collection method: clinical testing. Allele origin: germline.

GeneDx
Classification: Likely benign. Last evaluated: 2017-08-10. Review status: criteria provided, single submitter. Criteria: GeneDx Variant Classification (06012015). Collection method: clinical testing. Allele origin: germline. Affected: yes.
Comment: This variant is considered likely benign or benign based on one or more of the following criteria: it is a conservative change, it occurs at a poorly conserved position in the protein, it is predicted to be benign by multiple in silico algorithms, and/or has population frequency not consistent with disease.